The following is an entry in ClinVar:

NM_014252.4(SLC25A15):c.*1626A>G

Gene: SLC25A15 (solute carrier family 25 member 15; plus strand). Cytogenetic location: 13q14.11.
Variant type: single nucleotide variant.
Coding change: c.*1626A>G on transcript NM_014252.4 (MANE Select); 1626 bases downstream of the stop codon, A replaced by G.
Molecular consequence: 3 prime UTR variant.
Genome position (GRCh38, 1-based): chr13:40,811,293, A>G. VCF-style: chr13-40811293-A-G. GRCh37 (hg19) VCF-style: chr13-41385429-A-G.
Identifiers: ClinVar variation 312203 (VCV000312203.5), dbSNP rs59670947, ClinGen allele CA10634400.

ClinVar aggregate classification (germline): Benign (1 of 4 stars; one submission).

Conditions:
Hyperornithinemia-hyperammonemia-homocitrullinuria syndrome (HHHS). Also called: HHH SYNDROME; Ornithine translocase deficiency. Identifiers: Orphanet 415, MedGen C0268540, MONDO:0009393, OMIM 238970.

Allele frequency attached by ClinVar (database versions not stated): gnomAD 0.03522 and 0.03929; TOPMed 0.03897; 1000 Genomes Project 0.08586; 1000 Genomes Project 30x 0.08604.
gnomAD v4.1: 5,945 of 152,238 alleles (3.9%); highest among the groups gnomAD compares: East Asian, 15%; 263 homozygotes.

Submission:

Illumina Laboratory Services, Illumina
Classification: Benign for Hyperornithinemia-hyperammonemia-homocitrullinuria syndrome. Last evaluated: 2018-01-13. Review status: criteria provided, single submitter. Criteria: ICSL Variant Classification Criteria 13 December 2019. Collection method: clinical testing. Allele origin: germline.
Comment: This variant was observed in the ICSL laboratory as part of a predisposition screen in an ostensibly healthy population. It had not been previously curated by ICSL or reported in the Human Gene Mutation Database (HGMD: prior to June 1st, 2018), and was therefore a candidate for classification through an automated scoring system. Utilizing variant allele frequency, disease prevalence and penetrance estimates, and inheritance mode, an automated score was calculated to assess if this variant is too frequent to cause the disease. Based on the score and internal cut-off values, a variant classified as benign is not then subjected to further curation. The score for this variant resulted in a classification of benign for this disease.